The following is an entry in ClinVar:

NM_001330078.2(NRXN1):c.859A>C (p.Lys287Gln)

Gene: NRXN1 (neurexin 1; minus strand). Cytogenetic location: 2p16.3.
Variant type: single nucleotide variant.
Coding change: c.859A>C on transcript NM_001330078.2 (MANE Select); coding-DNA position 859, A replaced by C.
Protein change: p.Lys287Gln; replaces lysine 287 with glutamine.
Molecular consequence: missense variant.
Genome position (GRCh38, 1-based): chr2:50,623,589, T>G on the plus strand (A>C on the coding strand, the complement: NRXN1 is on the minus strand). VCF-style: chr2-50623589-T-G. GRCh37 (hg19) VCF-style: chr2-50850727-T-G.
Other names: c.958A>C, p.Lys320Gln (NM_001135659.3); c.859A>C, p.Lys287Gln (NM_001330077.2, NM_001330082.2, NM_001330085.2 and 3 more transcripts); c.799A>C, p.Lys267Gln (NM_001330083.2, NM_001330084.2, NM_001330087.2 and 1 more transcripts); c.829A>C, p.Lys277Gln (NM_001330088.2); c.856A>C, p.Lys286Gln (NM_001330093.2); c.847A>C, p.Lys283Gln (NM_001330094.2); short protein forms K320Q, K286Q, K267Q, K277Q, K283Q, K287Q.
Identifiers: ClinVar variation 447887 (VCV000447887.4), dbSNP rs1257232783, ClinGen allele CA346822679.

ClinVar aggregate classification (germline): Uncertain significance. Review status: criteria provided, multiple submitters, no conflicts (2 of 4 stars). 2 submissions from 2 submitters: Uncertain significance (2). Last evaluated 2023-09-11.

Conditions:
Pitt-Hopkins-like syndrome 2 (PTHSL2). Identifiers: Orphanet 221150, Orphanet 600663, MedGen C3280479, MONDO:0013690, OMIM 614325.

Allele frequency attached by ClinVar (database versions not stated): gnomAD exomes below 0.00001; TOPMed below 0.00001; gnomAD 0.00001.
gnomAD v4.1: 2 of 1,612,034 alleles (0.00012%); highest among the groups gnomAD compares: Non-Finnish European, 0.00017%; no homozygotes.

Submissions (2):

Labcorp Genetics (formerly Invitae), Labcorp
Classification: Uncertain significance for Pitt-Hopkins-like syndrome 2. Last evaluated: 2023-09-11. Review status: criteria provided, single submitter. Criteria: Invitae Variant Classification Sherloc (09022015). Collection method: clinical testing. Allele origin: germline.
Comment: In summary, the available evidence is currently insufficient to determine the role of this variant in disease. Therefore, it has been classified as a Variant of Uncertain Significance. This variant is not present in population databases (gnomAD no frequency). This sequence change replaces lysine, which is basic and polar, with glutamine, which is neutral and polar, at codon 320 of the NRXN1 protein (p.Lys320Gln). This variant has not been reported in the literature in individuals affected with NRXN1-related conditions. ClinVar contains an entry for this variant (Variation ID: 447887). An algorithm developed to predict the effect of missense changes on protein structure and function (PolyPhen-2) suggests that this variant is likely to be disruptive.

Athena Diagnostics
Classification: Uncertain significance. Last evaluated: 2017-04-11. Review status: criteria provided, single submitter. Criteria: Athena Diagnostics Criteria. Collection method: clinical testing. Allele origin: germline.